The following is an entry in ClinVar:

NM_000088.4(COL1A1):c.1544del (p.Gly515fs)

Gene: COL1A1 (collagen type I alpha 1 chain; minus strand). Cytogenetic location: 17q21.33.
Variant type: Deletion.
Coding change: c.1544del on transcript NM_000088.4 (MANE Select); coding-DNA position 1544, one base deleted (G; older notation c.1544delG).
Protein change: p.Gly515fs; shifts the reading frame from glycine 515.
Molecular consequence: frameshift variant.
Genome position (GRCh38, 1-based): chr17:50,194,419, C deleted on the plus strand (G on the coding strand, the reverse complement: COL1A1 is on the minus strand); the first of 2 consecutive C bases (chr17:50,194,419-50,194,420); deleting either gives the same sequence. VCF-style (leftmost placement, unchanged base first): chr17-50194418-GC-G. GRCh37 (hg19) VCF-style: chr17-48271779-GC-G.
Other names: c.1544delG (NM_000088.3); short protein forms G515fs.
Identifiers: ClinVar variation 3061711 (VCV003061711.2), dbSNP rs2509219271, ClinGen allele CA2740093788.

ClinVar aggregate classification (germline): Likely pathogenic (0 of 4 stars; one submission).

Conditions:
COL1A1-related disorder. Also called: COL1A1- related disease; COL1A1-related condition.

Submission:

PreventionGenetics, part of Exact Sciences
Classification: Likely pathogenic for COL1A1-related condition. Last evaluated: 2024-01-12. Review status: no assertion criteria provided. Collection method: clinical testing. Allele origin: germline.
Comment: The COL1A1 c.1544delG variant is predicted to result in a frameshift and premature protein termination (p.Gly515Alafs*26). To our knowledge, this variant has not been reported in the literature or in a large population database, indicating this variant is rare. Frameshift variants in COL1A1 are expected to be pathogenic. This variant is interpreted as likely pathogenic.